The following is an entry in ClinVar:

NM_005592.4(MUSK):c.1185-2A>G

Gene: MUSK (muscle associated receptor tyrosine kinase; plus strand). Cytogenetic location: 9q31.3.
Variant type: single nucleotide variant.
Coding change: c.1185-2A>G on transcript NM_005592.4 (MANE Select); the canonical splice acceptor site of the intron before coding-DNA position 1185, A replaced by G.
Molecular consequence: splice acceptor variant.
Genome position (GRCh38, 1-based): chr9:110,775,786, A>G. VCF-style: chr9-110775786-A-G. GRCh37 (hg19) VCF-style: chr9-113538066-A-G.
Other names: c.951-2A>G (NM_001166280.2); c.921-2A>G (NM_001166281.2); c.-52-2A>G (NM_001369398.1).
Identifiers: ClinVar variation 2933615 (VCV002933615.3), dbSNP rs2491096235, ClinGen allele CA374472566.

ClinVar aggregate classification (germline): Likely pathogenic (1 of 4 stars; one submission).

Conditions:
Fetal akinesia deformation sequence 1 (FADS1). Also called: Pena-Shokeir syndrome type I; Fetal akinesia sequence. Identifiers: Orphanet 994, MedGen C1276035, MONDO:0100101, OMIM 208150, HP:0001989.
Congenital myasthenic syndrome 9. Also called: Myasthenic syndrome, congenital, 9, associated with acetylcholine receptor deficiency. Identifiers: Orphanet 590, MedGen C4225368, MONDO:0014587, OMIM 616325.

Submission:

Labcorp Genetics (formerly Invitae), Labcorp
Classification: Likely pathogenic for Congenital myasthenic syndrome 9; Fetal akinesia deformation sequence 1. Last evaluated: 2023-06-25. Review status: criteria provided, single submitter. Criteria: Invitae Variant Classification Sherloc (09022015). Collection method: clinical testing. Allele origin: germline.
Comment: In summary, the currently available evidence indicates that the variant is pathogenic, but additional data are needed to prove that conclusively. Therefore, this variant has been classified as Likely Pathogenic. Algorithms developed to predict the effect of sequence changes on RNA splicing suggest that this variant may disrupt the consensus splice site. This variant has not been reported in the literature in individuals affected with MUSK-related conditions. This variant is not present in population databases (gnomAD no frequency). This sequence change affects an acceptor splice site in intron 9 of the MUSK gene. It is expected to disrupt RNA splicing. Variants that disrupt the donor or acceptor splice site typically lead to a loss of protein function (PMID: 16199547), and loss-of-function variants in MUSK are known to be pathogenic (PMID: 8653786, 25612909, 25695962, 25900532).

Literature cited by the submitters: PubMed 16199547; PubMed 8653786; PubMed 25612909; PubMed 25695962; PubMed 25900532.